The following is an entry in ClinVar:

ClinVar aggregate classification (germline): Benign/Likely benign. Review status: criteria provided, multiple submitters, no conflicts (2 of 4 stars). 5 submissions from 5 submitters: Benign (2); Likely benign (3). Last evaluated 2025-12-10.

Conditions:
A2ML1-related disorder. Also called: A2ML1-related condition.

Allele frequency attached by ClinVar (database versions not stated): gnomAD 0.00001; gnomAD exomes 0.00002 and 0.00016; TOPMed 0.00003; 1000 Genomes Project 30x 0.00016; ExAC 0.00019.
gnomAD v4.1: 34 of 1,608,914 alleles (0.0021%); highest among the groups gnomAD compares: East Asian, 0.076%; no homozygotes.

Submissions (5):

PreventionGenetics, part of Exact Sciences
Classification: Likely benign for A2ML1-related condition. Last evaluated: 2025-12-10. Review status: criteria provided, single submitter. Criteria: ACMG Guidelines, 2015. Collection method: clinical testing. Allele origin: germline.
Comment: This variant is classified as likely benign based on ACMG/AMP sequence variant interpretation guidelines (Richards et al. 2015 PMID: 25741868, with internal and published modifications).

Labcorp Genetics (formerly Invitae), Labcorp
Classification: Benign. Last evaluated: 2025-10-06. Review status: criteria provided, single submitter. Criteria: Invitae Variant Classification Sherloc (09022015). Collection method: clinical testing. Allele origin: germline.

Women's Health and Genetics/Laboratory Corporation of America, LabCorp
Classification: Benign. Last evaluated: 2021-04-25. Review status: criteria provided, single submitter. Criteria: LabCorp Variant Classification Summary - May 2015. Collection method: clinical testing. Allele origin: germline.

Ambry Genetics
Classification: Likely benign. Last evaluated: 2019-12-18. Review status: criteria provided, single submitter. Criteria: Ambry Variant Classification Scheme 2023. Collection method: clinical testing. Allele origin: germline.

GeneDx
Classification: Likely benign. Last evaluated: 2018-06-26. Review status: criteria provided, single submitter. Criteria: GeneDx Variant Classification Process June 2021. Collection method: clinical testing. Allele origin: germline. Affected: yes.

NM_144670.6(A2ML1):c.2676C>T (p.Gly892=)

Gene: A2ML1 (alpha-2-macroglobulin like 1; plus strand). Cytogenetic location: 12p13.31.
Variant type: single nucleotide variant.
Coding change: c.2676C>T on transcript NM_144670.6 (MANE Select); coding-DNA position 2676, C replaced by T.
Protein change: p.Gly892=; no amino-acid change (glycine 892 retained).
Molecular consequence: synonymous variant.
Genome position (GRCh38, 1-based): chr12:8,854,213, C>T. VCF-style: chr12-8854213-C-T. GRCh37 (hg19) VCF-style: chr12-9006809-C-T.
Other names: c.1203C>T, p.Gly401= (NM_001282424.3).
Identifiers: ClinVar variation 1098822 (VCV001098822.16), dbSNP rs188045880, ClinGen allele CA6436088.